The following is an entry in ClinVar:

ClinVar aggregate classification (germline): Uncertain significance (1 of 4 stars; one submission).

Conditions:
Arrhythmogenic cardiomyopathy with wooly hair and keratoderma. Also called: PALMOPLANTAR KERATODERMA WITH LEFT VENTRICULAR CARDIOMYOPATHY AND WOOLLY HAIR; Arrhythmogenic cardiomyopathy with woolly hair and keratoderma; Dilated cardiomyopathy with woolly hair and keratoderma; Carvajal syndrome. Identifiers: Orphanet 65282, MedGen C1854063, MONDO:0011581, OMIM 605676.
Arrhythmogenic right ventricular dysplasia 8 (ARVD8). Also called: Arrhythmogenic Right Ventricular Dysplasia/Cardiomyopathy 8; ARRHYTHMOGENIC RIGHT VENTRICULAR DYSPLASIA, FAMILIAL, 8; ARRHYTHMOGENIC RIGHT VENTRICULAR CARDIOMYOPATHY 8. Identifiers: MedGen C1843896, MONDO:0011831, OMIM 607450.

Submission:

Labcorp Genetics (formerly Invitae), Labcorp
Classification: Uncertain significance for Arrhythmogenic cardiomyopathy with wooly hair and keratoderma; Arrhythmogenic right ventricular dysplasia 8. Last evaluated: 2023-05-22. Review status: criteria provided, single submitter. Criteria: Invitae Variant Classification Sherloc (09022015). Collection method: clinical testing. Allele origin: germline.
Comment: In summary, the available evidence is currently insufficient to determine the role of this variant in disease. Therefore, it has been classified as a Variant of Uncertain Significance. This variant disrupts a region of the DSP protein in which other variant(s) (p.Leu1535Pro) have been observed in individuals with DSP-related conditions (PMID: 28527814). This suggests that this is a clinically significant region of the protein, and that variants that disrupt it are likely to be disease-causing. This variant has not been reported in the literature in individuals affected with DSP-related conditions. This variant results in the deletion of part of exon 23 (c.3359_4771delinsTCAGTGGAAGAAGTT) of the DSP gene. This variant would be expected to be in-frame, preserving the integrity of the reading frame.

Literature cited by the submitters: PubMed 28527814.

NC_000006.11:g.(?_7579782)_(7581194_?)del

Gene: DSP (desmoplakin; plus strand). Cytogenetic location: 6p24.3.
Variant type: Deletion.
Identifiers: ClinVar variation 1374854 (VCV001374854.7).